The following is an entry in ClinVar:

NM_004656.4(BAP1):c.932-14T>C

Gene: BAP1 (BRCA1 associated deubiquitinase 1; minus strand). Cytogenetic location: 3p21.1.
Variant type: single nucleotide variant.
Coding change: c.932-14T>C on transcript NM_004656.4 (MANE Select); 14 bases into the intron before coding-DNA position 932, T replaced by C.
Molecular consequence: intron variant.
Genome position (GRCh38, 1-based): chr3:52,405,308, A>G on the plus strand (T>C on the coding strand, the complement: BAP1 is on the minus strand). VCF-style: chr3-52405308-A-G. GRCh37 (hg19) VCF-style: chr3-52439324-A-G.
Identifiers: ClinVar variation 490907 (VCV000490907.12), dbSNP rs1553645349, ClinGen allele CA658683352.

ClinVar aggregate classification (germline): Likely benign. Review status: criteria provided, multiple submitters, no conflicts (2 of 4 stars). 3 submissions from 3 submitters: Likely benign (3). Last evaluated 2026-01-10.

Conditions:
Hereditary cancer-predisposing syndrome. Also called: Hereditary Cancer Syndrome; Neoplastic Syndromes, Hereditary; Tumor predisposition; Hereditary neoplastic syndrome. Identifiers: Orphanet 140162, MedGen C0027672, MeSH D009386, MONDO:0015356.
BAP1-related tumor predisposition syndrome (TPDS1). Also called: Tumor susceptibility linked to germline BAP1 mutations; BAP1 tumor predisposition syndrome; COMMON Syndrome; TUMOR PREDISPOSITION SYNDROME 1. Identifiers: Orphanet 289539, MedGen C3280492, MONDO:0013692, OMIM 614327.

Allele frequency attached by ClinVar (database versions not stated): gnomAD exomes 0.00001; TOPMed 0.00001.
gnomAD v4.1: 4 of 1,613,272 alleles (0.00025%); highest among the groups gnomAD compares: Non-Finnish European, 0.00025%; no homozygotes.

Submissions (3):

Labcorp Genetics (formerly Invitae), Labcorp
Classification: Likely benign for BAP1-related tumor predisposition syndrome. Last evaluated: 2026-01-10. Review status: criteria provided, single submitter. Criteria: Invitae Variant Classification Sherloc (09022015). Collection method: clinical testing. Allele origin: germline.

Myriad Genetics, Inc.
Classification: Likely benign for BAP1-related tumor predisposition syndrome. Last evaluated: 2024-07-15. Review status: criteria provided, single submitter. Criteria: Myriad Autosomal Dominant, Autosomal Recessive and X-Linked Classification Criteria (2023). Collection method: clinical testing. Allele origin: unknown.
Comment: This variant is considered likely benign. This variant is intronic and is not expected to impact mRNA splicing.

Color Diagnostics, LLC DBA Color Health
Classification: Likely benign for Hereditary cancer-predisposing syndrome. Last evaluated: 2016-12-19. Review status: criteria provided, single submitter. Criteria: ACMG Guidelines, 2015. Collection method: clinical testing. Allele origin: germline.